The following is an entry in ClinVar:

NM_178526.5(SLC25A42):c.65C>T (p.Ser22Leu)

Gene: SLC25A42 (solute carrier family 25 member 42; plus strand). Cytogenetic location: 19p13.11.
Variant type: single nucleotide variant.
Coding change: c.65C>T on transcript NM_178526.5 (MANE Select); coding-DNA position 65, C replaced by T.
Protein change: p.Ser22Leu; replaces serine 22 with leucine.
Molecular consequence: missense variant.
Genome position (GRCh38, 1-based): chr19:19,096,189, C>T. VCF-style: chr19-19096189-C-T. GRCh37 (hg19) VCF-style: chr19-19206998-C-T.
Other names: c.65C>T (NM_178526.3); c.65C>T, p.Ser22Leu (NM_001321544.2); short protein forms S22L.
Identifiers: ClinVar variation 2198780 (VCV002198780.5), dbSNP rs748394350, ClinGen allele CA9321324.
Genomic context (GRCh38, chr19:19,096,189, plus strand): 5'-GTAATGGTGTGAAGGAAGGCCCGGTGCGATTGCATGAGGATGCTGAGGCTGTCCTGTCCT[C>T]GTCCGTCTCATCAAAGGCAAGTACCCCGGCCTCCTGGGATGGGTGTTCTCCTGGGGCCCC-3'
Protein context (NP_848621.2, residues 12-32): LHEDAEAVLS[Ser22Leu]SVSSKRDHRQ

ClinVar aggregate classification (germline): Uncertain significance. Review status: criteria provided, multiple submitters, no conflicts (2 of 4 stars). 2 submissions from 2 submitters: Uncertain significance (2). Last evaluated 2025-02-17.

Conditions:
Inborn genetic diseases. Identifiers: MedGen C0950123, MeSH D030342.

Allele frequency attached by ClinVar (database versions not stated): ExAC 0.00001; TOPMed 0.00001.
gnomAD v4.1: 21 of 1,613,650 alleles (0.0013%); highest among the groups gnomAD compares: Middle Eastern, 0.017%; no homozygotes.

Submissions (2):

Labcorp Genetics (formerly Invitae), Labcorp
Classification: Uncertain significance. Last evaluated: 2025-02-17. Review status: criteria provided, single submitter. Criteria: Invitae Variant Classification Sherloc (09022015). Collection method: clinical testing. Allele origin: germline.
Comment: This sequence change replaces serine, which is neutral and polar, with leucine, which is neutral and non-polar, at codon 22 of the SLC25A42 protein (p.Ser22Leu). This variant is present in population databases (rs748394350, gnomAD 0.004%). This variant has not been reported in the literature in individuals affected with SLC25A42-related conditions. ClinVar contains an entry for this variant (Variation ID: 2198780). An algorithm developed to predict the effect of missense changes on protein structure and function (PolyPhen-2) suggests that this variant is likely to be tolerated. In summary, the available evidence is currently insufficient to determine the role of this variant in disease. Therefore, it has been classified as a Variant of Uncertain Significance.

Ambry Genetics
Classification: Uncertain significance for Inborn genetic diseases. Last evaluated: 2022-07-13. Review status: criteria provided, single submitter. Criteria: Ambry Variant Classification Scheme 2023. Collection method: clinical testing. Allele origin: germline.